The following is an entry in ClinVar:

ClinVar aggregate classification (germline): Uncertain significance. Review status: criteria provided, multiple submitters, no conflicts (2 of 4 stars). 3 submissions from 3 submitters: Uncertain significance (3). Last evaluated 2026-05-22.

Conditions:
NDUFA9-related disorder. Also called: NDUFA9-related condition.
Inborn genetic diseases. Identifiers: MedGen C0950123, MeSH D030342.

Allele frequency attached by ClinVar (database versions not stated): gnomAD 0.00001.
gnomAD v4.1: 18 of 1,613,944 alleles (0.0011%); highest among the groups gnomAD compares: East Asian, 0.018%; 1 homozygote.

Submissions (3):

PreventionGenetics, part of Exact Sciences
Classification: Uncertain significance for NDUFA9-related condition. Last evaluated: 2026-05-22. Review status: criteria provided, single submitter. Criteria: ACMG Guidelines, 2015. Collection method: clinical testing. Allele origin: germline.
Comment: The NDUFA9 c.601G>T variant is predicted to result in the amino acid substitution p.Val201Leu. To our knowledge, this variant has not been reported in the literature. This variant is reported in 0.015% of alleles in individuals of East Asian descent in gnomAD. At this time, the clinical significance of this variant is uncertain due to the absence of conclusive functional and genetic evidence.

Labcorp Genetics (formerly Invitae), Labcorp
Classification: Uncertain significance. Last evaluated: 2025-06-11. Review status: criteria provided, single submitter. Criteria: Invitae Variant Classification Sherloc (09022015). Collection method: clinical testing. Allele origin: germline.
Comment: This sequence change replaces valine, which is neutral and non-polar, with leucine, which is neutral and non-polar, at codon 201 of the NDUFA9 protein (p.Val201Leu). This variant is present in population databases (rs201865179, gnomAD 0.02%). This variant has not been reported in the literature in individuals affected with NDUFA9-related conditions. ClinVar contains an entry for this variant (Variation ID: 1483060). An algorithm developed to predict the effect of missense changes on protein structure and function outputs the following: PolyPhen-2: "Benign". The leucine amino acid residue is found in multiple mammalian species, which suggests that this missense change does not adversely affect protein function. In summary, the available evidence is currently insufficient to determine the role of this variant in disease. Therefore, it has been classified as a Variant of Uncertain Significance.

Ambry Genetics
Classification: Uncertain significance for Inborn genetic diseases. Last evaluated: 2024-11-14. Review status: criteria provided, single submitter. Criteria: Ambry Variant Classification Scheme 2023. Collection method: clinical testing. Allele origin: germline.

NM_005002.5(NDUFA9):c.601G>T (p.Val201Leu)

Gene: NDUFA9 (NADH:ubiquinone oxidoreductase subunit A9; plus strand). Cytogenetic location: 12p13.32.
Variant type: single nucleotide variant.
Coding change: c.601G>T on transcript NM_005002.5 (MANE Select); coding-DNA position 601, G replaced by T.
Protein change: p.Val201Leu; replaces valine 201 with leucine.
Molecular consequence: missense variant.
Genome position (GRCh38, 1-based): chr12:4,662,581, G>T. VCF-style: chr12-4662581-G-T. GRCh37 (hg19) VCF-style: chr12-4771747-G-T.
Other names: c.601G>T (NM_005002.4); short protein forms V201L.
Identifiers: ClinVar variation 1483060 (VCV001483060.8), dbSNP rs201865179, ClinGen allele CA6398151.